The following is an entry in ClinVar:

ClinVar aggregate classification (germline): Uncertain significance. Review status: criteria provided, multiple submitters, no conflicts (2 of 4 stars). 2 submissions from 2 submitters: Uncertain significance (2). Last evaluated 2025-07-29.

Conditions:
Cardiovascular phenotype. Identifiers: MedGen CN230736.

Submissions (2):

GeneDx
Classification: Uncertain significance. Last evaluated: 2025-07-29. Review status: criteria provided, single submitter. Criteria: GeneDx Variant Classification Process June 2021. Collection method: clinical testing. Allele origin: germline. Affected: yes.
Comment: Not observed at significant frequency in large population cohorts (gnomAD); In silico analysis supports that this missense variant has a deleterious effect on protein structure/function; Has not been previously published as pathogenic or benign to our knowledge

Ambry Genetics
Classification: Uncertain significance for Cardiovascular phenotype. Last evaluated: 2022-04-08. Review status: criteria provided, single submitter. Criteria: Ambry Variant Classification Scheme 2023. Collection method: clinical testing. Allele origin: germline.
Comment: The p.F164V variant (also known as c.490T>G), located in coding exon 2 of the RBM20 gene, results from a T to G substitution at nucleotide position 490. The phenylalanine at codon 164 is replaced by valine, an amino acid with highly similar properties. This amino acid position is well conserved in available vertebrate species. In addition, this alteration is predicted to be deleterious by in silico analysis. Since supporting evidence is limited at this time, the clinical significance of this alteration remains unclear.

NM_001134363.3(RBM20):c.490T>G (p.Phe164Val)

Gene: RBM20 (RNA binding motif protein 20; plus strand). Cytogenetic location: 10q25.2.
Variant type: single nucleotide variant.
Coding change: c.490T>G on transcript NM_001134363.3 (MANE Select); coding-DNA position 490, T replaced by G.
Protein change: p.Phe164Val; replaces phenylalanine 164 with valine.
Molecular consequence: missense variant.
Genome position (GRCh38, 1-based): chr10:110,781,099, T>G. VCF-style: chr10-110781099-T-G. GRCh37 (hg19) VCF-style: chr10-112540857-T-G.
Other names: short protein forms F164V.
Identifiers: ClinVar variation 1744051 (VCV001744051.3), dbSNP rs2493410242, ClinGen allele CA378380728.